The following is an entry in ClinVar:

ClinVar aggregate classification (germline): Uncertain significance (1 of 4 stars; one submission).

Submission:

Labcorp Genetics (formerly Invitae), Labcorp
Classification: Uncertain significance. Last evaluated: 2022-10-15. Review status: criteria provided, single submitter. Criteria: Invitae Variant Classification Sherloc (09022015). Collection method: clinical testing. Allele origin: germline.
Comment: This variant has not been reported in the literature in individuals affected with TUBB2A-related conditions. This sequence change replaces proline, which is neutral and non-polar, with arginine, which is basic and polar, at codon 243 of the TUBB2A protein (p.Pro243Arg). This variant is not present in population databases (gnomAD no frequency). Advanced modeling of protein sequence and biophysical properties (such as structural, functional, and spatial information, amino acid conservation, physicochemical variation, residue mobility, and thermodynamic stability) performed at Invitae indicates that this missense variant is expected to disrupt TUBB2A protein function. In summary, the available evidence is currently insufficient to determine the role of this variant in disease. Therefore, it has been classified as a Variant of Uncertain Significance.

NM_001069.3(TUBB2A):c.728C>G (p.Pro243Arg)

Gene: TUBB2A (tubulin beta 2A class IIa; minus strand). Cytogenetic location: 6p25.2.
Variant type: single nucleotide variant.
Coding change: c.728C>G on transcript NM_001069.3 (MANE Select); coding-DNA position 728, C replaced by G.
Protein change: p.Pro243Arg; replaces proline 243 with arginine.
Molecular consequence: missense variant.
Genome position (GRCh38, 1-based): chr6:3,154,473, G>C on the plus strand (C>G on the coding strand, the complement: TUBB2A is on the minus strand). VCF-style: chr6-3154473-G-C. GRCh37 (hg19) VCF-style: chr6-3154707-G-C.
Other names: c.473C>G, p.Pro158Arg (NM_001310315.2); short protein forms P158R, P243R.
Identifiers: ClinVar variation 1998926 (VCV001998926.4), dbSNP rs1554122947, ClinGen allele CA362592091.